The following is an entry in ClinVar:

NM_001127649.3(PEX26):c.*2703G>A

Gene: PEX26 (peroxisomal biogenesis factor 26; plus strand). Cytogenetic location: 22q11.21.
Variant type: single nucleotide variant.
Coding change: c.*2703G>A on transcript NM_001127649.3 (MANE Select); 2703 bases downstream of the stop codon, G replaced by A.
Molecular consequence: 3 prime UTR variant.
Genome position (GRCh38, 1-based): chr22:18,090,778, G>A. VCF-style: chr22-18090778-G-A. GRCh37 (hg19) VCF-style: chr22-18573544-G-A.
Other names: c.*2703G>A (NM_001199319.2, NM_017929.6).
Identifiers: ClinVar variation 900072 (VCV000900072.5), dbSNP rs186314626, ClinGen allele CA321296187.
Genomic context (GRCh38, chr22:18,090,778, plus strand): 5'-TTTAGGGGCGCTAAGGAAAGCAGGAACCAGTAATCCTCTTCTGTGGTGGGATGGGAGGGT[G>A]GGGGAGAGGGGTGGAATGGAGAGGAAACAGGCTATTGTTGGCCAGCCCTGGGTGGAGGTG-3'

ClinVar aggregate classification (germline): Likely benign. Review status: criteria provided, multiple submitters, no conflicts (2 of 4 stars). 2 submissions from 2 submitters: Likely benign (2). Last evaluated 2018-01-13.

Conditions:
Peroxisome biogenesis disorder 7A (Zellweger). Also called: Peroxisome biogenesis disorder 7A. Identifiers: Orphanet 912, MedGen C3888385, MONDO:0013938, OMIM 614872.

Allele frequency attached by ClinVar (database versions not stated): TOPMed 0.00131; 1000 Genomes Project 0.00280.

Submissions (2):

Illumina Laboratory Services, Illumina
Classification: Likely benign for Peroxisome biogenesis disorder 7A (Zellweger). Last evaluated: 2018-01-13. Review status: criteria provided, single submitter. Criteria: ICSL Variant Classification Criteria 13 December 2019. Collection method: clinical testing. Allele origin: germline.
Comment: This variant was observed in the ICSL laboratory as part of a predisposition screen in an ostensibly healthy population. It had not been previously curated by ICSL or reported in the Human Gene Mutation Database (HGMD: prior to June 1st, 2018), and was therefore a candidate for classification through an automated scoring system. Utilizing variant allele frequency, disease prevalence and penetrance estimates, and inheritance mode, an automated score was calculated to assess if this variant is too frequent to cause the disease. Based on the score and internal cut-off values, a variant classified as likely benign is not then subjected to further curation. The score for this variant resulted in a classification of likely benign for this disease.

Breakthrough Genomics
Classification: Likely benign. Review status: criteria provided, single submitter. Criteria: ACMG Guidelines, 2015. Collection method: not provided. Allele origin: germline. Inheritance: Autosomal recessive inheritance. Affected: yes.